The following is an entry in ClinVar:

NM_004415.4(DSP):c.5706C>T (p.Leu1902=)

Gene: DSP (desmoplakin; plus strand). Cytogenetic location: 6p24.3.
Variant type: single nucleotide variant.
Coding change: c.5706C>T on transcript NM_004415.4 (MANE Select); coding-DNA position 5706, C replaced by T.
Protein change: p.Leu1902=; no amino-acid change (leucine 1902 retained).
Molecular consequence: synonymous variant.
Genome position (GRCh38, 1-based): chr6:7,582,968, C>T. VCF-style: chr6-7582968-C-T. GRCh37 (hg19) VCF-style: chr6-7583201-C-T.
Other names: c.3909C>T, p.Leu1303= (NM_001008844.3); c.4377C>T, p.Leu1459= (NM_001319034.2); c.5706C>T (NM_004415.3).
Identifiers: ClinVar variation 3071205 (VCV003071205.5), dbSNP rs879254349, ClinGen allele CA448715492.

ClinVar aggregate classification (germline): Likely benign. Review status: criteria provided, multiple submitters, no conflicts (2 of 4 stars). 4 submissions from 4 submitters: Likely benign (4). Last evaluated 2025-09-28.

Conditions:
Arrhythmogenic cardiomyopathy with wooly hair and keratoderma. Also called: PALMOPLANTAR KERATODERMA WITH LEFT VENTRICULAR CARDIOMYOPATHY AND WOOLLY HAIR; Carvajal syndrome; Dilated cardiomyopathy with woolly hair and keratoderma; Arrhythmogenic cardiomyopathy with woolly hair and keratoderma. Identifiers: Orphanet 65282, MedGen C1854063, MONDO:0011581, OMIM 605676.
Cardiovascular phenotype. Identifiers: MedGen CN230736.
Arrhythmogenic right ventricular dysplasia 8 (ARVD8). Also called: ARRHYTHMOGENIC RIGHT VENTRICULAR DYSPLASIA, FAMILIAL, 8; ARRHYTHMOGENIC RIGHT VENTRICULAR CARDIOMYOPATHY 8; Arrhythmogenic Right Ventricular Dysplasia/Cardiomyopathy 8. Identifiers: MedGen C1843896, MONDO:0011831, OMIM 607450.

Allele frequency attached by ClinVar (database versions not stated): gnomAD exomes below 0.00001; TOPMed below 0.00001; gnomAD 0.00001.
gnomAD v4.1: 2 of 1,613,722 alleles (0.00012%); highest among the groups gnomAD compares: Non-Finnish European, 0.00017%; no homozygotes.

Submissions (4):

Ambry Genetics
Classification: Likely benign for Cardiovascular phenotype. Last evaluated: 2025-09-28. Review status: criteria provided, single submitter. Criteria: Ambry Variant Classification Scheme 2023. Collection method: clinical testing. Allele origin: germline.

Molecular Diagnostic Laboratory for Inherited Cardiovascular Disease, Montreal Heart Institute
Classification: Likely benign. Last evaluated: 2025-02-17. Review status: criteria provided, single submitter. Criteria: ACMG Guidelines, 2015. Collection method: clinical testing. Allele origin: germline. Affected: no.

Labcorp Genetics (formerly Invitae), Labcorp
Classification: Likely benign for Arrhythmogenic cardiomyopathy with wooly hair and keratoderma; Arrhythmogenic right ventricular dysplasia 8. Last evaluated: 2024-12-19. Review status: criteria provided, single submitter. Criteria: Invitae Variant Classification Sherloc (09022015). Collection method: clinical testing. Allele origin: germline.

All of Us Research Program, National Institutes of Health
Classification: Likely benign for Arrhythmogenic cardiomyopathy with wooly hair and keratoderma. Last evaluated: 2023-05-16. Review status: criteria provided, single submitter. Criteria: ACMG Guidelines, 2015. Collection method: clinical testing. Allele origin: germline. Inheritance: Autosomal dominant inheritance. Observed: 1 variant allele, 1 heterozygote.
Comment: This study involves interpretation of variants in research participants for the purpose of population health screening. Participant phenotype was not available at the time of variant classification. Additional details can be found in publication PMID: 35346344, PMCID: PMC8962531